The following is an entry in ClinVar:

NM_017563.5(IL17RD):c.929T>C (p.Ile310Thr)

Gene: IL17RD (interleukin 17 receptor D; minus strand). Cytogenetic location: 3p14.3.
Variant type: single nucleotide variant.
Coding change: c.929T>C on transcript NM_017563.5 (MANE Select); coding-DNA position 929, T replaced by C.
Protein change: p.Ile310Thr; replaces isoleucine 310 with threonine.
Molecular consequence: missense variant.
Genome position (GRCh38, 1-based): chr3:57,102,529, A>G on the plus strand (T>C on the coding strand, the complement: IL17RD is on the minus strand). VCF-style: chr3-57102529-A-G. GRCh37 (hg19) VCF-style: chr3-57136557-A-G.
Other names: c.497T>C, p.Ile166Thr (NM_001318864.2); short protein forms I166T, I310T.
Identifiers: ClinVar variation 3339132 (VCV003339132.1).

ClinVar aggregate classification (germline): Uncertain significance (1 of 4 stars; one submission).

Submission:

Women's Health and Genetics/Laboratory Corporation of America, LabCorp
Classification: Uncertain significance. Last evaluated: 2024-07-05. Review status: criteria provided, single submitter. Criteria: LabCorp Variant Classification Summary - May 2015. Collection method: clinical testing. Allele origin: germline.
Comment: Variant summary: IL17RD c.929T>C (p.Ile310Thr) results in a non-conservative amino acid change in the encoded protein sequence. Three of five in-silico tools predict a benign effect of the variant on protein function. The frequency data for this variant in gnomAD is considered unreliable, as metrics indicate poor data quality at this position. To our knowledge, no occurrence of c.929T>C in individuals affected with Hypogonadotropic Hypogonadism 18 With Or Without Anosmia and no experimental evidence demonstrating its impact on protein function have been reported. No submitters have cited clinical-significance assessments for this variant to ClinVar. Based on the evidence outlined above, the variant was classified as uncertain significance.